The following is an entry in ClinVar:

NM_001372.4(DNAH9):c.5431C>T (p.Arg1811Cys)

Gene: DNAH9 (dynein axonemal heavy chain 9; plus strand). Cytogenetic location: 17p12.
Variant type: single nucleotide variant.
Coding change: c.5431C>T on transcript NM_001372.4 (MANE Select); coding-DNA position 5431, C replaced by T.
Protein change: p.Arg1811Cys; replaces arginine 1811 with cysteine.
Molecular consequence: missense variant.
Genome position (GRCh38, 1-based): chr17:11,705,064, C>T. VCF-style: chr17-11705064-C-T. GRCh37 (hg19) VCF-style: chr17-11608381-C-T.
Other names: short protein forms R1811C.
Identifiers: ClinVar variation 4083334 (VCV004083334.2).

ClinVar aggregate classification (germline): Uncertain significance. Review status: criteria provided, multiple submitters, no conflicts (2 of 4 stars). 2 submissions from 2 submitters: Uncertain significance (2). Last evaluated 2025-03-14.

Conditions:
Primary ciliary dyskinesia. Also called: Ciliary dyskinesia. Identifiers: Orphanet 244, MedGen C0008780, MONDO:0016575, HP:0012265.

gnomAD v4.1: 41 of 1,614,040 alleles (0.0025%); highest among the groups gnomAD compares: Non-Finnish European, 0.0034%; no homozygotes.

Submissions (2):

GeneDx
Classification: Uncertain significance. Last evaluated: 2025-03-14. Review status: criteria provided, single submitter. Criteria: GeneDx Variant Classification Process June 2021. Collection method: clinical testing. Allele origin: germline. Affected: yes.
Comment: In silico analysis supports that this missense variant has a deleterious effect on protein structure/function; Has not been previously published as pathogenic or benign to our knowledge

Molecular Genetics McLendon Clinical Laboratories, University of North Carolina at Chapel Hill
Classification: Uncertain significance for Primary ciliary dyskinesia. Last evaluated: 2024-11-27. Review status: criteria provided, single submitter. Criteria: ACMG Guidelines, 2015. Collection method: clinical testing. Allele origin: germline.